The following is an entry in ClinVar:

ClinVar aggregate classification (germline): Uncertain significance (1 of 4 stars; one submission).

gnomAD v4.1: 14 of 1,613,944 alleles (0.00087%); highest among the groups gnomAD compares: Middle Eastern, 0.033%; no homozygotes.

Submission:

Labcorp Genetics (formerly Invitae), Labcorp
Classification: Uncertain significance. Last evaluated: 2025-12-18. Review status: criteria provided, single submitter. Criteria: Invitae Variant Classification Sherloc (09022015). Collection method: clinical testing. Allele origin: germline.
Comment: This sequence change replaces arginine, which is basic and polar, with leucine, which is neutral and non-polar, at codon 81 of the TGM6 protein (p.Arg81Leu). This variant is present in population databases (rs767210657, gnomAD 0.01%). This variant has not been reported in the literature in individuals affected with TGM6-related conditions. ClinVar contains an entry for this variant (Variation ID: 1899966). Invitae Evidence Modeling of protein sequence and biophysical properties (such as structural, functional, and spatial information, amino acid conservation, physicochemical variation, residue mobility, and thermodynamic stability) indicates that this missense variant is not expected to disrupt TGM6 protein function with a negative predictive value of 80%. In summary, the available evidence is currently insufficient to determine the role of this variant in disease. Therefore, it has been classified as a Variant of Uncertain Significance.

NM_198994.3(TGM6):c.242G>T (p.Arg81Leu)

Gene: TGM6 (transglutaminase 6; plus strand). Cytogenetic location: 20p13.
Variant type: single nucleotide variant.
Coding change: c.242G>T on transcript NM_198994.3 (MANE Select); coding-DNA position 242, G replaced by T.
Protein change: p.Arg81Leu; replaces arginine 81 with leucine.
Molecular consequence: missense variant.
Genome position (GRCh38, 1-based): chr20:2,395,254, G>T. VCF-style: chr20-2395254-G-T. GRCh37 (hg19) VCF-style: chr20-2375900-G-T.
Other names: c.242G>T, p.Arg81Leu (NM_001254734.2); short protein forms R81L.
Identifiers: ClinVar variation 1899966 (VCV001899966.5), dbSNP rs767210657, ClinGen allele CA9731597.